The following is an entry in ClinVar:

ClinVar aggregate classification (germline): Likely pathogenic (1 of 4 stars; one submission).

Conditions:
Intellectual developmental disorder with autism and macrocephaly. Also called: Autism, susceptibility to, 18; CHD8-Related Neurodevelopmental Disorder with Overgrowth. Identifiers: Orphanet 642675, MedGen C3554373, MONDO:0014017, OMIM 615032.

Submission:

Geisinger Autism and Developmental Medicine Institute, Geisinger Health System
Classification: Likely pathogenic for Intellectual developmental disorder with autism and macrocephaly. Last evaluated: 2017-07-26. Review status: criteria provided, single submitter. Criteria: ACMG Guidelines, 2015. Collection method: provider interpretation, clinical testing. Allele origin: de novo. Affected: yes. Observed: 1 variant allele.
Comment: In-silico splice prediction models predict that c.6295G>A may create or enhance a cryptic splice donor site in exon 31 that could supplant the natural splice donor site. However, in the absence of RNA/functional studies, the actual effect of the c.6295G>A change in this individual is unknown. If c.6295G>A does not alter splicing, it will result in the E2099K missense change. The E2099K variant is a non-conservative amino acid substitution, and computational prediction models are inconsistent. The variant is absent from population databases and has not been previously reported in any individuals with CHD8-Related Disorder, to our knowledge.

Literature cited by the submitters: PubMed 22495309; PubMed 23160955; PubMed 24998929; PubMed 26789910.

NM_001170629.2(CHD8):c.6295G>A (p.Glu2099Lys)

Gene: CHD8 (chromodomain helicase DNA binding protein 8; minus strand). Cytogenetic location: 14q11.2.
Variant type: single nucleotide variant.
Coding change: c.6295G>A on transcript NM_001170629.2 (MANE Select); coding-DNA position 6295, G replaced by A.
Protein change: p.Glu2099Lys; replaces glutamic acid 2099 with lysine.
Molecular consequence: missense variant.
Genome position (GRCh38, 1-based): chr14:21,393,500, C>T on the plus strand (G>A on the coding strand, the complement: CHD8 is on the minus strand). VCF-style: chr14-21393500-C-T. GRCh37 (hg19) VCF-style: chr14-21861659-C-T.
Other names: c.5458G>A, p.Glu1820Lys (NM_020920.4); short protein forms E1820K, E2099K.
Identifiers: ClinVar variation 560286 (VCV000560286.3), dbSNP rs1555313219, ClinGen allele CA388879801.